The following is an entry in ClinVar:

ClinVar aggregate classification (germline): Uncertain significance (1 of 4 stars; one submission).

Submission:

Labcorp Genetics (formerly Invitae), Labcorp
Classification: Uncertain significance. Last evaluated: 2024-10-29. Review status: criteria provided, single submitter. Criteria: Invitae Variant Classification Sherloc (09022015). Collection method: clinical testing. Allele origin: germline.
Comment: This sequence change replaces alanine, which is neutral and non-polar, with glycine, which is neutral and non-polar, at codon 328 of the PHYH protein (p.Ala328Gly). This variant is not present in population databases (gnomAD no frequency). This variant has not been reported in the literature in individuals affected with PHYH-related conditions. ClinVar contains an entry for this variant (Variation ID: 2124716). An algorithm developed to predict the effect of missense changes on protein structure and function outputs the following: PolyPhen-2: "Benign". The glycine amino acid residue is found in multiple mammalian species, which suggests that this missense change does not adversely affect protein function. In summary, the available evidence is currently insufficient to determine the role of this variant in disease. Therefore, it has been classified as a Variant of Uncertain Significance.

NM_006214.4(PHYH):c.983C>G (p.Ala328Gly)

Gene: PHYH (phytanoyl-CoA 2-hydroxylase; minus strand). Cytogenetic location: 10p13.
Variant type: single nucleotide variant.
Coding change: c.983C>G on transcript NM_006214.4 (MANE Select); coding-DNA position 983, C replaced by G.
Protein change: p.Ala328Gly; replaces alanine 328 with glycine.
Molecular consequence: missense variant.
Genome position (GRCh38, 1-based): chr10:13,278,335, G>C on the plus strand (C>G on the coding strand, the complement: PHYH is on the minus strand). VCF-style: chr10-13278335-G-C. GRCh37 (hg19) VCF-style: chr10-13320335-G-C.
Other names: c.683C>G, p.Ala228Gly (NM_001037537.2, NM_001323080.2); c.989C>G, p.Ala330Gly (NM_001323082.2); c.719C>G, p.Ala240Gly (NM_001323083.2); c.689C>G, p.Ala230Gly (NM_001323084.2); short protein forms A240G, A330G, A228G, A230G, A328G.
Identifiers: ClinVar variation 2124716 (VCV002124716.3), dbSNP rs2538624074, ClinGen allele CA376050395.
Genomic context (GRCh38, chr10:13,278,335, plus strand): 5'-TGAAAGAGTTATAGCAGATGGCTATTTCAAAGATTGGTTCTTTCTCCTTTCACAAGTCGA[G>C]CTCGAAACATCCAAATATCCTGGAAATAATATCAAACAGAGTGGGTTTATGGAACACTTC-3'
Protein context (NP_006205.1, residues 318-338): VNLKDIWMFR[Ala328Gly]RLVKGERTNL